The following is an entry in ClinVar:

NM_002439.5(MSH3):c.3284G>A (p.Gly1095Glu)

Gene: MSH3 (mutS homolog 3; plus strand). Cytogenetic location: 5q14.1.
Variant type: single nucleotide variant.
Coding change: c.3284G>A on transcript NM_002439.5 (MANE Select); coding-DNA position 3284, G replaced by A.
Protein change: p.Gly1095Glu; replaces glycine 1095 with glutamic acid.
Molecular consequence: missense variant.
Genome position (GRCh38, 1-based): chr5:80,873,269, G>A. VCF-style: chr5-80873269-G-A. GRCh37 (hg19) VCF-style: chr5-80169088-G-A.
Other names: short protein forms G1095E.
Identifiers: ClinVar variation 661463 (VCV000661463.10), dbSNP rs180975253, ClinGen allele CA3328495.

ClinVar aggregate classification (germline): Conflicting classifications of pathogenicity. Review status: criteria provided, conflicting classifications (1 of 4 stars). 3 submissions from 3 submitters: Uncertain significance (2); Likely benign (1). Last evaluated 2026-01-28.

Conditions:
Hereditary cancer-predisposing syndrome. Also called: Neoplastic Syndromes, Hereditary; Tumor predisposition; Hereditary neoplastic syndrome; Hereditary Cancer Syndrome. Identifiers: Orphanet 140162, MedGen C0027672, MeSH D009386, MONDO:0015356.

Allele frequency attached by ClinVar (database versions not stated): ExAC 0.00001; gnomAD 0.00001; gnomAD exomes 0.00001; 1000 Genomes Project 30x 0.00031; 1000 Genomes Project 0.00040.

Submissions (3):

Labcorp Genetics (formerly Invitae), Labcorp
Classification: Uncertain significance. Last evaluated: 2026-01-28. Review status: criteria provided, single submitter. Criteria: Invitae Variant Classification Sherloc (09022015). Collection method: clinical testing. Allele origin: germline.
Comment: This sequence change replaces glycine, which is neutral and non-polar, with glutamic acid, which is acidic and polar, at codon 1095 of the MSH3 protein (p.Gly1095Glu). This variant is present in population databases (rs180975253, gnomAD 0.01%). This variant has not been reported in the literature in individuals affected with MSH3-related conditions. ClinVar contains an entry for this variant (Variation ID: 661463). An algorithm developed to predict the effect of missense changes on protein structure and function outputs the following: PolyPhen-2: "Benign". The glutamic acid amino acid residue is found in multiple mammalian species, which suggests that this missense change does not adversely affect protein function. In summary, the available evidence is currently insufficient to determine the role of this variant in disease. Therefore, it has been classified as a Variant of Uncertain Significance.

Ambry Genetics
Classification: Likely benign for Hereditary cancer-predisposing syndrome. Last evaluated: 2025-05-16. Review status: criteria provided, single submitter. Criteria: Ambry Variant Classification Scheme 2023. Collection method: clinical testing. Allele origin: germline.

Quest Diagnostics Nichols Institute San Juan Capistrano
Classification: Uncertain significance. Last evaluated: 2024-06-18. Review status: criteria provided, single submitter. Criteria: Quest Diagnostics criteria. Collection method: clinical testing. Allele origin: unknown.
Comment: The MSH3 c.3284G>A (p.Gly1095Glu) variant has not been reported in individuals with MSH3-related conditions in the published literature. The frequency of this variant in the general population, 0.00015 (3/19914 chromosomes (Genome Aggregation Database)), is uninformative in the assessment of its pathogenicity. Analysis of this variant using bioinformatics tools for the prediction of the effect of amino acid changes on protein structure and function yielded predictions that this variant is benign. Based on the available information, we are unable to determine the clinical significance of this variant.